The following is an entry in ClinVar:

ClinVar aggregate classification (germline): Uncertain significance (1 of 4 stars; one submission).

Conditions:
Hereditary cancer-predisposing syndrome. Also called: Tumor predisposition; Hereditary neoplastic syndrome; Neoplastic Syndromes, Hereditary; Hereditary Cancer Syndrome. Identifiers: Orphanet 140162, MedGen C0027672, MeSH D009386, MONDO:0015356.

Submission:

Ambry Genetics
Classification: Uncertain significance for Hereditary cancer-predisposing syndrome. Last evaluated: 2024-07-03. Review status: criteria provided, single submitter. Criteria: Ambry Variant Classification Scheme 2023. Collection method: clinical testing. Allele origin: germline.
Comment: The p.G448R variant (also known as c.1342G>A), located in coding exon 2 of the MET gene, results from a G to A substitution at nucleotide position 1342. The glycine at codon 448 is replaced by arginine, an amino acid with dissimilar properties. This amino acid position is highly conserved in available vertebrate species. In addition, the in silico prediction for this alteration is inconclusive. Based on the available evidence, the clinical significance of this variant remains unclear.

NM_000245.4(MET):c.1342G>A (p.Gly448Arg)

Gene: MET (MET proto-oncogene, receptor tyrosine kinase; plus strand). Cytogenetic location: 7q31.2.
Variant type: single nucleotide variant.
Coding change: c.1342G>A on transcript NM_000245.4 (MANE Select); coding-DNA position 1342, G replaced by A.
Protein change: p.Gly448Arg; replaces glycine 448 with arginine.
Molecular consequence: missense variant.
Genome position (GRCh38, 1-based): chr7:116,731,809, G>A. VCF-style: chr7-116731809-G-A. GRCh37 (hg19) VCF-style: chr7-116371863-G-A.
Other names: c.1342G>A, p.Gly448Arg (NM_001127500.3, NM_001324401.3); c.52G>A, p.Gly18Arg (NM_001324402.2); short protein forms G18R, G448R.
Identifiers: ClinVar variation 818901 (VCV000818901.5), dbSNP rs1584914261, ClinGen allele CA368972971.